The following is an entry in ClinVar:

ClinVar aggregate classification (germline): Likely benign (1 of 4 stars; one submission).

Conditions:
CEP120-related disorder. Also called: CEP120-related condition; CEP120-Related Disorders.

Submission:

PreventionGenetics, part of Exact Sciences
Classification: Likely benign for CEP120-related condition. Last evaluated: 2026-08-12. Review status: criteria provided, single submitter. Criteria: ACMG Guidelines, 2015. Collection method: clinical testing. Allele origin: germline.
Comment: This variant is classified as likely benign based on ACMG/AMP sequence variant interpretation guidelines (Richards et al. 2015 PMID: 25741868, with internal and published modifications).

NM_001375405.1(CEP120):c.1431-9_1431-8insTT

Gene: CEP120 (centrosomal protein 120; minus strand). Cytogenetic location: 5q23.2.
Variant type: Insertion.
Coding change: c.1431-9_1431-8insTT on transcript NM_001375405.1 (MANE Select); 9 bases into the intron before coding-DNA position 1431 through 8 bases into the intron before coding-DNA position 1431, TT inserted.
Molecular consequence: intron variant.
Genome position: GRCh38 VCF-style: chr5-123386675-T-TAA. GRCh37 (hg19) VCF-style: chr5-122722369-T-TAA.
Other names: c.1353-9_1353-8insTT (NM_001166226.2); c.1431-9_1431-8insTT (NM_153223.4, NM_001375407.1); c.858-9_858-8insTT (NM_001375408.1, NM_001375409.1); c.1296-9_1296-8insTT (NM_001375406.1).
Identifiers: ClinVar variation 4990709 (VCV004990709.1).